The following is an entry in ClinVar:

ClinVar aggregate classification (germline): Conflicting classifications of pathogenicity. Review status: criteria provided, conflicting classifications (1 of 4 stars). 2 submissions from 2 submitters: Likely pathogenic (1); Uncertain significance (1). Last evaluated 2025-04-10.

Conditions:
Hereditary breast ovarian cancer syndrome. Also called: Hereditary breast and ovarian cancer; Hereditary breast and ovarian cancer syndrome; Breast and ovarian cancer; BRCA1- and BRCA2-Associated Hereditary Breast and Ovarian Cancer; Hereditary breast and/or ovarian cancer syndrome; Hereditary breast and ovarian cancer syndrome (HBOC). Identifiers: Orphanet 145, MedGen C0677776, MeSH D061325, MONDO:0003582. Disease mechanism: loss of function.

Submissions (2):

Labcorp Genetics (formerly Invitae), Labcorp
Classification: Uncertain significance for Hereditary breast ovarian cancer syndrome. Last evaluated: 2025-04-10. Review status: criteria provided, single submitter. Criteria: Invitae Variant Classification Sherloc (09022015). Collection method: clinical testing. Allele origin: germline.
Comment: This sequence change replaces tryptophan, which is neutral and slightly polar, with leucine, which is neutral and non-polar, at codon 2725 of the BRCA2 protein (p.Trp2725Leu). This variant is not present in population databases (gnomAD no frequency). This variant has not been reported in the literature in individuals affected with BRCA2-related conditions. ClinVar contains an entry for this variant (Variation ID: 995949). Invitae Evidence Modeling incorporating data from in vitro experimental studies (PMID: 33609447) indicates that this missense variant is expected to disrupt BRCA2 function with a positive predictive value of 95%. In summary, the available evidence is currently insufficient to determine the role of this variant in disease. Therefore, it has been classified as a Variant of Uncertain Significance.

Cancer Variant Interpretation Group UK, Institute of Cancer Research, London
Classification: Likely pathogenic for Hereditary Breast and Ovarian Cancer. Last evaluated: 2018-11-23. Review status: criteria provided, single submitter. Criteria: ACMG Guidelines, 2015. Collection method: curation. Allele origin: germline.
Comment: Data used in classification: The frequency of this variant is 0/138,632 individuals gnomAD) (PM2_mod). This variant is predicted deleterious on AlignGVGD (class: C55), SIFT (Deleterious), Polyphen2 HumVar (probably damaging) and CADD (20.2) (PP3_sup). The variant is in the DNA-binding domain of BRCA2 (PM1_sup). In the VarCall Bayesian statistical model for VUS classification using functional assay data (Guidugli et al Am J Hum Genet 2018; 102:233-248, Couch Lab), the variant has a probability of being deleterious of 0.98 and an overall classification of pathogenic. (PS3_strong). Data not used in classification: There are no reports of this variant in ClinVar, BIC or BRCA2 LOVD.

Literature cited by the submitters: PubMed 33609447 (cited by Labcorp Genetics (formerly Invitae), Labcorp); PubMed 29394989 (cited by Cancer Variant Interpretation Group UK, Institute of Cancer Research, London).

NM_000059.4(BRCA2):c.8174G>T (p.Trp2725Leu)

Gene: BRCA2 (BRCA2 DNA repair associated; plus strand). Cytogenetic location: 13q13.1.
Variant type: single nucleotide variant.
Coding change: c.8174G>T on transcript NM_000059.4 (MANE Select); coding-DNA position 8174, G replaced by T.
Protein change: p.Trp2725Leu; replaces tryptophan 2725 with leucine.
Molecular consequence: missense variant.
Genome position (GRCh38, 1-based): chr13:32,363,376, G>T. VCF-style: chr13-32363376-G-T. GRCh37 (hg19) VCF-style: chr13-32937513-G-T.
Other names: short protein forms W2725L.
Identifiers: ClinVar variation 995949 (VCV000995949.2), dbSNP rs730881581, ClinGen allele CA387749613.